The following is an entry in ClinVar:

NM_001039591.3(USP9X):c.2877+1G>A

Gene: USP9X (ubiquitin specific peptidase 9 X-linked; plus strand). Cytogenetic location: Xp11.4.
Variant type: single nucleotide variant.
Coding change: c.2877+1G>A on transcript NM_001039591.3 (MANE Select); the canonical splice donor site of the intron after coding-DNA position 2877, G replaced by A.
Molecular consequence: splice donor variant.
Genome position (GRCh38, 1-based): chrX:41,170,236, G>A. VCF-style: chrX-41170236-G-A. GRCh37 (hg19) VCF-style: chrX-41029489-G-A.
Other names: c.2892+1G>A (NM_001410748.1, NM_001410749.1); c.2877+1G>A (NM_001039590.3).
Identifiers: ClinVar variation 3467335 (VCV003467335.2).
Genomic context (GRCh38, chrX:41,170,236, plus strand): 5'-CTGATAGATCCTGCAGATGATAGAAAGTTGATTGGACAATTAAACTTAAAAGATAAATCG[G>A]TATGTATGTATAGTTAACAGATTTTTCAATAAAATCAAACCAGAGACTATCGTTTAATCA-3'

ClinVar aggregate classification (germline): Pathogenic/Likely pathogenic. Review status: criteria provided, multiple submitters, no conflicts (2 of 4 stars). 2 submissions from 2 submitters: Pathogenic (1); Likely pathogenic (1). Last evaluated 2024-09-06.

Conditions:
Inborn genetic diseases. Identifiers: MedGen C0950123, MeSH D030342.
Intellectual developmental disorder, X-linked 99. Also called: Intellectual disability, X-linked 99. Identifiers: Orphanet 777, MedGen C3806746, MONDO:0010487, OMIM 300919.

Submissions (2):

Ambry Genetics
Classification: Pathogenic for Inborn genetic diseases. Last evaluated: 2024-09-06. Review status: criteria provided, single submitter. Criteria: Ambry Variant Classification Scheme 2023. Collection method: clinical testing. Allele origin: germline.
Comment: The c.2877+1G>A intronic variant results from a G to A substitution one nucleotide after coding exon 18 of the USP9X gene. Alterations that disrupt the canonical splice site are expected to cause aberrant splicing, resulting in an abnormal protein or a transcript that is subject to nonsense-mediated mRNA decay. This variant was not reported in population-based cohorts in the Genome Aggregation Database (gnomAD). This nucleotide position is highly conserved in available vertebrate species. In silico splice site analysis predicts that this alteration will weaken the native splice donor site and may result in the creation or strengthening of a novel splice donor site. Based on the available evidence, this alteration is classified as pathogenic.

Clinical Genetics Service, Universitary Hospital 12 de Octubre
Classification: Likely pathogenic for Intellectual developmental disorder, X-linked 99. Review status: criteria provided, single submitter. Criteria: ACMG Guidelines, 2015. Collection method: clinical testing. Allele origin: germline. Affected: yes.